The following is an entry in ClinVar:

ClinVar aggregate classification (germline): Uncertain significance (1 of 4 stars; one submission).

Submission:

ISCA site 4
Classification: Uncertain significance. Last evaluated: 2011-08-12. Review status: criteria provided, single submitter. Criteria: Kaminsky et al. (Genet Med. 2011). Collection method: clinical testing. Allele origin: unknown. Affected: yes. Observed: 1 variant allele.
Comment: Copy number variation identified through the course of routine clinical cytogenomic testing in postnatal populations. Clinical assertions have been curated as described in Kaminsky et al. 2011.

GRCh38/hg38 15q13.2-13.3(chr15:30662523-32217725)x3

Genes: CHRNA7 (cholinergic receptor nicotinic alpha 7 subunit), FAN1 (FANCD2 and FANCI associated nuclease 1; plus strand), KLF13 (KLF transcription factor 13; plus strand), LINC02352 (long intergenic non-protein coding RNA 2352; plus strand), LINC03034 (long intergenic non-protein coding RNA 3034; minus strand) and 21 more. Cytogenetic location: 15q13.2-13.3.
Variant type: copy number gain.
Change: copy number 3 (three copies instead of two) of chr15:30,662,523-32,217,725 (1.56 Mb, GRCh38 coordinates, 1-based), cytogenetic band 15q13.2-13.3.
Identifiers: ClinVar variation 160972 (VCV000160972.1).